The following is an entry in ClinVar:

ClinVar aggregate classification (germline): Uncertain significance. Review status: criteria provided, multiple submitters, no conflicts (2 of 4 stars). 7 submissions from 6 submitters: Uncertain significance (7). Last evaluated 2026-01-24.

Conditions:
Facial dysmorphism-immunodeficiency-livedo-short stature syndrome. Also called: Facial dysmorphism, immunodeficiency, livedo, and short stature; FILS syndrome. Identifiers: Orphanet 352712, MedGen C3554576, MONDO:0014058, OMIM 615139.
Colorectal cancer, susceptibility to, 12 (CRCS12). Also called: COLORECTAL CANCER, SUSCEPTIBILITY TO, ON CHROMOSOME 12q24. Identifiers: Orphanet 220460, MedGen C3554460, MONDO:0014038, OMIM 615083.
Intrauterine growth retardation, metaphyseal dysplasia, adrenal hypoplasia congenita, genital anomalies, and immunodeficiency. Also called: IMAGEI SYNDROME. Identifiers: MedGen C5193036, MONDO:0032684, OMIM 618336.
Hereditary cancer-predisposing syndrome. Also called: Hereditary neoplastic syndrome; Neoplastic Syndromes, Hereditary; Hereditary Cancer Syndrome; Tumor predisposition. Identifiers: Orphanet 140162, MedGen C0027672, MeSH D009386, MONDO:0015356.

Allele frequency attached by ClinVar (database versions not stated): gnomAD 0.00001; ExAC 0.00002; gnomAD exomes 0.00002 and 0.00003; 1000 Genomes Project 30x 0.00016; 1000 Genomes Project 0.00020.
gnomAD v4.1: 45 of 1,614,124 alleles (0.0028%); highest among the groups gnomAD compares: Middle Eastern, 0.017%; no homozygotes.

Submissions (7):

Labcorp Genetics (formerly Invitae), Labcorp
Classification: Uncertain significance. Last evaluated: 2026-01-24. Review status: criteria provided, single submitter. Criteria: Invitae Variant Classification Sherloc (09022015). Collection method: clinical testing. Allele origin: germline.
Comment: This sequence change replaces glutamic acid, which is acidic and polar, with lysine, which is basic and polar, at codon 1424 of the POLE protein (p.Glu1424Lys). This variant is present in population databases (rs575419120, gnomAD 0.006%). This variant has not been reported in the literature in individuals affected with POLE-related conditions. ClinVar contains an entry for this variant (Variation ID: 405695). Invitae Evidence Modeling of protein sequence and biophysical properties (such as structural, functional, and spatial information, amino acid conservation, physicochemical variation, residue mobility, and thermodynamic stability) indicates that this missense variant is not expected to disrupt POLE protein function with a negative predictive value of 80%. In summary, the available evidence is currently insufficient to determine the role of this variant in disease. Therefore, it has been classified as a Variant of Uncertain Significance.

Ambry Genetics
Classification: Uncertain significance for Hereditary cancer-predisposing syndrome. Last evaluated: 2025-10-09. Review status: criteria provided, single submitter. Criteria: Ambry Variant Classification Scheme 2023. Collection method: clinical testing. Allele origin: germline.
Comment: The p.E1424K variant (also known as c.4270G>A), located in coding exon 33 of the POLE gene, results from a G to A substitution at nucleotide position 4270. The glutamic acid at codon 1424 is replaced by lysine, an amino acid with similar properties. This amino acid position is conserved. In addition, the in silico prediction for this alteration is inconclusive. Since supporting evidence is limited at this time, the clinical significance of this alteration remains unclear.

Center for Genomic Medicine, Rigshospitalet, Copenhagen University Hospital
Classification: Uncertain significance. Last evaluated: 2025-03-04. Review status: criteria provided, single submitter. Criteria: ACMG Guidelines, 2015. Collection method: clinical testing. Allele origin: germline.

Blueprint Genetics
Classification: Uncertain significance. Last evaluated: 2024-11-14. Review status: criteria provided, single submitter. Criteria: ACMG Guidelines, 2015. Collection method: clinical testing. Allele origin: germline.

Fulgent Genetics
Classification: Uncertain significance for Colorectal cancer, susceptibility to, 12; Facial dysmorphism-immunodeficiency-livedo-short stature syndrome; Intrauterine growth retardation, metaphyseal dysplasia, adrenal hypoplasia congenita, genital anomalies, and immunodeficiency. Last evaluated: 2024-05-07. Review status: criteria provided, single submitter. Criteria: ACMG Guidelines, 2015. Collection method: clinical testing. Allele origin: germline.

Quest Diagnostics Nichols Institute San Juan Capistrano
Classification: Uncertain significance. Last evaluated: 2019-07-03. Review status: criteria provided, single submitter. Criteria: Quest Diagnostics criteria. Collection method: clinical testing. Allele origin: germline.

Fulgent Genetics
Classification: Uncertain significance for Colorectal cancer, susceptibility to, 12; Facial dysmorphism-immunodeficiency-livedo-short stature syndrome. Last evaluated: 2018-10-31. Review status: criteria provided, single submitter. Criteria: ACMG Guidelines, 2015. Collection method: clinical testing. Allele origin: unknown.

NM_006231.4(POLE):c.4270G>A (p.Glu1424Lys)

Gene: POLE (DNA polymerase epsilon, catalytic subunit; minus strand). Cytogenetic location: 12q24.33.
Variant type: single nucleotide variant.
Coding change: c.4270G>A on transcript NM_006231.4 (MANE Select); coding-DNA position 4270, G replaced by A.
Protein change: p.Glu1424Lys; replaces glutamic acid 1424 with lysine.
Molecular consequence: missense variant.
Genome position (GRCh38, 1-based): chr12:132,643,857, C>T on the plus strand (G>A on the coding strand, the complement: POLE is on the minus strand). VCF-style: chr12-132643857-C-T. GRCh37 (hg19) VCF-style: chr12-133220443-C-T.
Other names: short protein forms E1424K.
Identifiers: ClinVar variation 405695 (VCV000405695.17), dbSNP rs575419120, ClinGen allele CA6892926.